The following is an entry in ClinVar:

NM_003327.4(TNFRSF4):c.470C>T (p.Pro157Leu)

Gene: TNFRSF4 (TNF receptor superfamily member 4; minus strand). Cytogenetic location: 1p36.33.
Variant type: single nucleotide variant.
Coding change: c.470C>T on transcript NM_003327.4 (MANE Select); coding-DNA position 470, C replaced by T.
Protein change: p.Pro157Leu; replaces proline 157 with leucine.
Molecular consequence: missense variant.
Genome position (GRCh38, 1-based): chr1:1,212,106, G>A on the plus strand (C>T on the coding strand, the complement: TNFRSF4 is on the minus strand). VCF-style: chr1-1212106-G-A. GRCh37 (hg19) VCF-style: chr1-1147486-G-A.
Other names: short protein forms P157L.
Identifiers: ClinVar variation 785731 (VCV000785731.14), dbSNP rs150220682, ClinGen allele CA512450.

ClinVar aggregate classification (germline): Likely benign. Review status: criteria provided, multiple submitters, no conflicts (2 of 4 stars). 3 submissions from 3 submitters: Likely benign (2). 1 of the submissions does not count toward it. Last evaluated 2026-01-12.

Conditions:
Combined immunodeficiency due to OX40 deficiency. Also called: OX40 DEFICIENCY; Immunodeficiency 16. Identifiers: Orphanet 431149, MedGen C3810053, MONDO:0014268, OMIM 615593.
TNFRSF4-related disorder. Also called: TNFRSF4-related condition.

Allele frequency attached by ClinVar (database versions not stated): gnomAD exomes 0.00019 and 0.00048; ExAC 0.00067; ESP Exome Variant Server 0.00154; gnomAD 0.00172 and 0.00185; TOPMed 0.00196; 1000 Genomes Project 0.00319; 1000 Genomes Project 30x 0.00328.
gnomAD v4.1: 550 of 1,612,624 alleles (0.034%); highest among the groups gnomAD compares: African/African-American, 0.55%; 3 homozygotes.

Submissions (3):

Labcorp Genetics (formerly Invitae), Labcorp
Classification: Likely benign for Combined immunodeficiency due to OX40 deficiency. Last evaluated: 2026-01-12. Review status: criteria provided, single submitter. Criteria: Invitae Variant Classification Sherloc (09022015). Collection method: clinical testing. Allele origin: germline.

Breakthrough Genomics
Classification: Likely benign. Review status: criteria provided, single submitter. Criteria: ACMG Guidelines, 2015. Collection method: not provided. Allele origin: germline. Inheritance: Autosomal recessive inheritance. Affected: yes.

PreventionGenetics, part of Exact Sciences
Classification: Likely benign for TNFRSF4-related condition. Last evaluated: 2019-12-16. Review status: no assertion criteria provided. Collection method: clinical testing. Allele origin: germline. Not counted in ClinVar's aggregate classification.
Comment: This variant is classified as likely benign based on ACMG/AMP sequence variant interpretation guidelines (Richards et al. 2015 PMID: 25741868, with internal and published modifications).